The following is an entry in ClinVar:

ClinVar aggregate classification (germline): Uncertain significance. Review status: criteria provided, multiple submitters, no conflicts (2 of 4 stars). 2 submissions from 2 submitters: Uncertain significance (2). Last evaluated 2025-04-29.

Conditions:
Hereditary cancer-predisposing syndrome. Also called: Hereditary Cancer Syndrome; Hereditary neoplastic syndrome; Tumor predisposition; Neoplastic Syndromes, Hereditary. Identifiers: Orphanet 140162, MedGen C0027672, MeSH D009386, MONDO:0015356.
Rhabdoid tumor predisposition syndrome 2 (RTPS2). Identifiers: Orphanet 231108, Orphanet 69077, MedGen C2750074, MONDO:0013224, OMIM 613325.

Allele frequency attached by ClinVar (database versions not stated): TOPMed below 0.00001.

Submissions (2):

Ambry Genetics
Classification: Uncertain significance for Hereditary cancer-predisposing syndrome. Last evaluated: 2025-04-29. Review status: criteria provided, single submitter. Criteria: Ambry Variant Classification Scheme 2023. Collection method: clinical testing. Allele origin: germline.
Comment: The p.K1634T variant (also known as c.4901A>C), located in coding exon 34 of the SMARCA4 gene, results from an A to C substitution at nucleotide position 4901. The lysine at codon 1634 is replaced by threonine, an amino acid with similar properties. Missense and in-frame variants in SMARCA4 are known to cause neurodevelopmental disorders; however, such associations with rhabdoid tumor predisposition syndrome including small cell carcinoma of the ovary-hypercalcemic type (SCCOHT) are exceedingly rare (Kosho T et al. Am J Med Genet C Semin Med Genet. 2014 Sep;166C(3):262-75; Jelinic P et al. Nat Genet. 2014 May;46(5):424-6). This amino acid position is highly conserved in available vertebrate species. In addition, the in silico prediction for this alteration is inconclusive. Based on the supporting evidence, the association of this alteration with Coffin-Siris syndrome is unknown; however, the association of this alteration with rhabdoid tumor predisposition syndrome is unlikely.

Labcorp Genetics (formerly Invitae), Labcorp
Classification: Uncertain significance for Rhabdoid tumor predisposition syndrome 2. Last evaluated: 2024-10-29. Review status: criteria provided, single submitter. Criteria: Invitae Variant Classification Sherloc (09022015). Collection method: clinical testing. Allele origin: germline.
Comment: This sequence change replaces lysine, which is basic and polar, with threonine, which is neutral and polar, at codon 1634 of the SMARCA4 protein (p.Lys1634Thr). This variant is present in population databases (no rsID available, gnomAD 0.007%). This variant has not been reported in the literature in individuals affected with SMARCA4-related conditions. ClinVar contains an entry for this variant (Variation ID: 843143). Invitae Evidence Modeling of protein sequence and biophysical properties (such as structural, functional, and spatial information, amino acid conservation, physicochemical variation, residue mobility, and thermodynamic stability) has been performed for this missense variant. However, the output from this modeling did not meet the statistical confidence thresholds required to predict the impact of this variant on SMARCA4 protein function. In summary, the available evidence is currently insufficient to determine the role of this variant in disease. Therefore, it has been classified as a Variant of Uncertain Significance.

NM_003072.5(SMARCA4):c.4805A>C (p.Lys1602Thr)

Gene: SMARCA4 (SWI/SNF related BAF chromatin remodeling complex subunit ATPase 4; plus strand). Cytogenetic location: 19p13.2.
Variant type: single nucleotide variant.
Coding change: c.4805A>C on transcript NM_003072.5 (MANE Select); coding-DNA position 4805, A replaced by C.
Protein change: p.Lys1602Thr; replaces lysine 1602 with threonine.
Molecular consequence: missense variant. On other transcripts: non-coding transcript variant (1).
Genome position (GRCh38, 1-based): chr19:11,060,081, A>C. VCF-style: chr19-11060081-A-C. GRCh37 (hg19) VCF-style: chr19-11170757-A-C.
Other names: c.4805A>C, p.Lys1602Thr (NM_001128844.3); c.4715A>C, p.Lys1572Thr (NM_001128845.2); c.4712A>C, p.Lys1571Thr (NM_001128846.2); c.4706A>C, p.Lys1569Thr (NM_001128847.4, NM_001374457.1); c.4703A>C, p.Lys1568Thr (NM_001128848.2); c.4901A>C, p.Lys1634Thr (NM_001128849.3); short protein forms K1571T, K1572T, K1602T, K1634T, K1568T, K1569T.
Identifiers: ClinVar variation 843143 (VCV000843143.15), dbSNP rs1485676007, ClinGen allele CA404080430.